The following is an entry in ClinVar:

ClinVar aggregate classification (germline): Likely benign (0 of 4 stars; one submission).

Conditions:
FOXF1-related disorder. Also called: FOXF1-related condition.

Allele frequency attached by ClinVar (database versions not stated): gnomAD exomes below 0.00001.
gnomAD v4.1: 1 of 1,554,900 alleles (0.000064%); highest among the groups gnomAD compares: African/African-American, 0.0014%; no homozygotes.

Submission:

PreventionGenetics, part of Exact Sciences
Classification: Likely benign for FOXF1-related condition. Last evaluated: 2022-11-17. Review status: no assertion criteria provided. Collection method: clinical testing. Allele origin: germline.
Comment: This variant is classified as likely benign based on ACMG/AMP sequence variant interpretation guidelines (Richards et al. 2015 PMID: 25741868, with internal and published modifications).

NM_001451.3(FOXF1):c.783C>T (p.Ala261=)

Gene: FOXF1 (forkhead box F1; plus strand). Cytogenetic location: 16q24.1.
Variant type: single nucleotide variant.
Coding change: c.783C>T on transcript NM_001451.3 (MANE Select); coding-DNA position 783, C replaced by T.
Protein change: p.Ala261=; no amino-acid change (alanine 261 retained).
Molecular consequence: synonymous variant.
Genome position (GRCh38, 1-based): chr16:86,511,352, C>T. VCF-style: chr16-86511352-C-T. GRCh37 (hg19) VCF-style: chr16-86544958-C-T.
Identifiers: ClinVar variation 3055029 (VCV003055029.2), dbSNP rs1182661380, ClinGen allele CA497014214.